The following is an entry in ClinVar:

ClinVar aggregate classification (germline): Uncertain significance. Review status: criteria provided, multiple submitters, no conflicts (2 of 4 stars). 4 submissions from 4 submitters: Uncertain significance (4). Last evaluated 2023-11-30.

Conditions:
Loeys-Dietz syndrome (LDS). Identifiers: Orphanet 60030, MedGen C2697932, MONDO:0018954.
Familial thoracic aortic aneurysm and aortic dissection (TAAD). Also called: Thoracic aortic aneurysms and dissections. Identifiers: Orphanet 91387, MedGen C4707243, MONDO:0019625.

Submissions (4):

All of Us Research Program, National Institutes of Health
Classification: Uncertain significance for Loeys-Dietz syndrome. Last evaluated: 2023-11-30. Review status: criteria provided, single submitter. Criteria: ACMG Guidelines, 2015. Collection method: clinical testing. Allele origin: germline. Inheritance: Autosomal dominant inheritance. Observed: 1 variant allele, 1 heterozygote.
Comment: This study involves interpretation of variants in research participants for the purpose of population health screening. Participant phenotype was not available at the time of variant classification. Additional details can be found in publication PMID: 35346344, PMCID: PMC8962531

Labcorp Genetics (formerly Invitae), Labcorp
Classification: Uncertain significance for Familial thoracic aortic aneurysm and aortic dissection. Last evaluated: 2023-05-07. Review status: criteria provided, single submitter. Criteria: Invitae Variant Classification Sherloc (09022015). Collection method: clinical testing. Allele origin: germline.
Comment: In summary, the available evidence is currently insufficient to determine the role of this variant in disease. Therefore, it has been classified as a Variant of Uncertain Significance. Advanced modeling of protein sequence and biophysical properties (such as structural, functional, and spatial information, amino acid conservation, physicochemical variation, residue mobility, and thermodynamic stability) has been performed at Invitae for this missense variant, however the output from this modeling did not meet the statistical confidence thresholds required to predict the impact of this variant on TGFBR1 protein function. ClinVar contains an entry for this variant (Variation ID: 264166). This missense change has been observed in individuals with aortic dissections (PMID: 23064905; Invitae). This variant is not present in population databases (gnomAD no frequency). This sequence change replaces threonine, which is neutral and polar, with isoleucine, which is neutral and non-polar, at codon 204 of the TGFBR1 protein (p.Thr204Ile).

GeneDx
Classification: Uncertain significance. Last evaluated: 2021-03-02. Review status: criteria provided, single submitter. Criteria: GeneDx Variant Classification Process June 2021. Collection method: clinical testing. Allele origin: germline. Affected: yes.
Comment: Not observed in large population cohorts (Lek et al., 2016); In silico analysis supports that this missense variant has a deleterious effect on protein structure/function; Reported in ClinVar as a variant of uncertain significance (ClinVar Variant ID# 264166; Landrum et al., 2016); This variant is associated with the following publications: (PMID: 7774578, 23064905)

Ambry Genetics
Classification: Uncertain significance for Familial thoracic aortic aneurysm and aortic dissection. Last evaluated: 2015-07-21. Review status: criteria provided, single submitter. Criteria: Ambry Variant Classification Scheme 2023. Collection method: clinical testing. Allele origin: germline.
Comment: The p.T204I variant (also known as c.611C>T), located in coding exon 4 of the TGFBR1 gene, results from a C to T substitution at nucleotide position 611. The threonine at codon 204 is replaced by isoleucine, an amino acid with similar properties. This variant was reported in one patient with medial fibroplasia and multi-vessel dissections (Poloskey et al.Vasc Med. 2012;17(6):371-8). This variant was not reported in population based cohorts in the following databases: Database of Single Nucleotide Polymorphisms (dbSNP), NHLBI Exome Sequencing Project (ESP), and 1000 Genomes Project. In the ESP, this variant was not observed in 6503 samples (13006 alleles) with coverage at this position. This amino acid position is highly conserved in available vertebrate species. In addition, this alteration is predicted to be deleterious by in silico analysis. Since clinical data on this variant is limited at this time, its clinical significance is unclear.

Literature cited by the submitters: PubMed 23064905 (cited by Labcorp Genetics (formerly Invitae), Labcorp).

NM_004612.4(TGFBR1):c.611C>T (p.Thr204Ile)

Gene: TGFBR1 (transforming growth factor beta receptor 1; plus strand). Cytogenetic location: 9q22.33.
Variant type: single nucleotide variant.
Coding change: c.611C>T on transcript NM_004612.4 (MANE Select); coding-DNA position 611, C replaced by T.
Protein change: p.Thr204Ile; replaces threonine 204 with isoleucine.
Molecular consequence: missense variant.
Genome position (GRCh38, 1-based): chr9:99,137,895, C>T. VCF-style: chr9-99137895-C-T. GRCh37 (hg19) VCF-style: chr9-101900177-C-T.
Other names: c.380C>T, p.Thr127Ile (NM_001130916.3); c.623C>T, p.Thr208Ile (NM_001306210.2); short protein forms T204I, T127I, T208I.
Identifiers: ClinVar variation 264166 (VCV000264166.17), dbSNP rs886039068, ClinGen allele CA10587681.